The following is an entry in ClinVar:

NM_001354604.2(MITF):c.437C>G (p.Thr146Ser)

Gene: MITF (melanocyte inducing transcription factor; plus strand). Cytogenetic location: 3p13.
Variant type: single nucleotide variant.
Coding change: c.437C>G on transcript NM_001354604.2 (MANE Select); coding-DNA position 437, C replaced by G.
Protein change: p.Thr146Ser; replaces threonine 146 with serine.
Molecular consequence: missense variant. On other transcripts: intron variant (1).
Genome position (GRCh38, 1-based): chr3:69,937,904, C>G. VCF-style: chr3-69937904-C-G. GRCh37 (hg19) VCF-style: chr3-69987055-C-G.
Other names: c.116C>G, p.Thr39Ser (NM_000248.4, NM_001184968.2, NM_198158.3); c.281C>G, p.Thr94Ser (NM_001184967.2, NM_001354608.2); c.434C>G, p.Thr145Ser (NM_001354605.2, NM_001354606.2, NM_006722.3); c.386C>G, p.Thr129Ser (NM_001354607.2); c.437C>G, p.Thr146Ser (NM_198159.3); c.389C>G, p.Thr130Ser (NM_198177.3); c.93+23C>G (NM_198178.3); short protein forms T129S, T130S, T146S, T39S, T94S, T145S.
Identifiers: ClinVar variation 4844243 (VCV004844243.1).

ClinVar aggregate classification (germline): Uncertain significance (1 of 4 stars; one submission).

Conditions:
Hereditary cancer-predisposing syndrome. Also called: Neoplastic Syndromes, Hereditary; Tumor predisposition; Hereditary Cancer Syndrome; Hereditary neoplastic syndrome. Identifiers: Orphanet 140162, MedGen C0027672, MeSH D009386, MONDO:0015356.

Submission:

Ambry Genetics
Classification: Uncertain significance for Hereditary cancer-predisposing syndrome. Last evaluated: 2026-02-21. Review status: criteria provided, single submitter. Criteria: Ambry Variant Classification Scheme 2023. Collection method: clinical testing. Allele origin: germline.
Comment: The p.T39S variant (also known as c.116C>G), located in coding exon 2 of the MITF gene, results from a C to G substitution at nucleotide position 116. The threonine at codon 39 is replaced by serine, an amino acid with similar properties. This amino acid position is conserved. In addition, this alteration is predicted to be tolerated by in silico analysis. Based on the available evidence, the clinical significance of this variant remains unclear.